The following is an entry in ClinVar:

NM_031885.5(BBS2):c.2059+1G>T

Gene: BBS2 (Bardet-Biedl syndrome 2; minus strand). Cytogenetic location: 16q13.
Variant type: single nucleotide variant.
Coding change: c.2059+1G>T on transcript NM_031885.5 (MANE Select); the canonical splice donor site of the intron after coding-DNA position 2059, G replaced by T.
Molecular consequence: splice donor variant.
Genome position (GRCh38, 1-based): chr16:56,485,589, C>A on the plus strand (G>T on the coding strand, the complement: BBS2 is on the minus strand). VCF-style: chr16-56485589-C-A. GRCh37 (hg19) VCF-style: chr16-56519501-C-A.
Other names: c.2059+1G>T (NM_001377456.1).
Identifiers: ClinVar variation 1073654 (VCV001073654.9), dbSNP rs2144095211, ClinGen allele CA395972815.

ClinVar aggregate classification (germline): Pathogenic (1 of 4 stars; one submission).

Conditions:
Bardet-Biedl syndrome (BBS). Identifiers: Orphanet 110, MedGen C0752166, MONDO:0015229.

Allele frequency attached by ClinVar (database versions not stated): gnomAD exomes below 0.00001.
gnomAD v4.1: 1 of 1,614,068 alleles (0.000062%); highest among the groups gnomAD compares: Non-Finnish European, 0.000085%; no homozygotes.

Submission:

Labcorp Genetics (formerly Invitae), Labcorp
Classification: Pathogenic for Bardet-Biedl syndrome. Last evaluated: 2020-10-08. Review status: criteria provided, single submitter. Criteria: Invitae Variant Classification Sherloc (09022015). Collection method: clinical testing. Allele origin: germline.
Comment: Nucleotide substitutions within the consensus splice site are a relatively common cause of aberrant splicing (PMID: 17576681, 9536098). Algorithms developed to predict the effect of sequence changes on RNA splicing suggest that this variant may disrupt the consensus splice site, but this prediction has not been confirmed by published transcriptional studies. This variant has not been reported in the literature in individuals with BBS2-related conditions. This variant is not present in population databases (ExAC no frequency). This sequence change affects a donor splice site in the last intron (intron 16) of the BBS2 gene. While this is not anticipated to result in nonsense mediated decay, it likely alters RNA splicing and results in a disrupted protein product. This variant disrupts the C-terminus of the BBS2 protein. Other variant(s) that disrupt this region (p.Arg703*) have been determined to be pathogenic (PMID: 21344540, 25999675, Invitae). This suggests that variants that disrupt this region of the protein are likely to be causative of disease. For these reasons, this variant has been classified as Pathogenic.

Literature cited by the submitters: PubMed 17576681; PubMed 9536098; PubMed 21344540; PubMed 25999675.